The following is an entry in ClinVar:

ClinVar aggregate classification (germline): Pathogenic. Review status: criteria provided, single submitter (1 of 4 stars). 2 submissions from 2 submitters: Pathogenic (1). 1 of the submissions does not count toward it. Last evaluated 2018-12-18.

Conditions:
Hereditary factor IX deficiency disease (HEMB). Also called: Christmas Disease; Hemophilia B; PLASMA THROMBOPLASTIN COMPONENT DEFICIENCY; F9 DEFICIENCY; FACTOR IX DEFICIENCY. Identifiers: Orphanet 98879, MedGen C0008533, MeSH D002836, MONDO:0010604, OMIM 306900.

Submissions (2):

ARUP Laboratories, Molecular Genetics and Genomics, ARUP Laboratories
Classification: Pathogenic. Last evaluated: 2018-12-18. Review status: criteria provided, single submitter. Criteria: ARUP Molecular Germline Variant Investigation Process. Collection method: clinical testing. Allele origin: germline.
Comment: The F9 c.1120G>T; p.Val374Phe variant (rs137852271) is reported in the literature in multiple individuals affected with moderate to severe hemophilia B (Belvini 2005, Costa 2000, Giannelli 1994, Knobloch 1993, Winship 1990). This variant is reported in ClinVar (Variation ID: 10639), and is absent from general population databases (1000 Genomes Project, Exome Variant Server, and Genome Aggregation Database), indicating it is not a common polymorphism. The valine at codon 374 is highly conserved, and computational analyses (SIFT, PolyPhen-2) predict that this variant is deleterious. Additionally, another variant at this codon (c.1120G>A, p.Val374Ile) has been reported in individuals with moderate hemophilia B and is considered pathogenic (Giannelli 1994, Poort 1990). Based on available information, the p.Val374Phe variant is considered to be pathogenic. References: Belvini D et al. Molecular genotyping of the Italian cohort of patients with hemophilia B. Haematologica. 2005 May;90(5):635-42. Costa JM et al. Fast and efficient mutation detection method using multiplex PCR and cycle sequencing--application to haemophilia B. Thromb Haemost. 2000 Feb;83(2):244-7. Giannelli F et al. Haemophilia B: database of point mutations and short additions and deletions, fifth edition, 1994. Nucleic Acids Res. 1994 Sep;22(17):3534-46. Knobloch O et al. Recurrent mutations in the factor IX gene: founder effect or repeat de novo events. Investigation of the German haemophilia B population and review of de novo mutations. Hum Genet. 1993 Aug;92(1):40-8. Poort SR et al. Two mutations of the factor IX gene including a donor splice consensus deletion and a point mutation in a Dutch patient with severe hemophilia B. Thromb Haemost. 1990 Nov 30;64(3):379-84. Winship PR. Haemophilia B caused by mutation of a potential thrombin cleavage site in factor IX. Nucleic Acids Res. 1990 Mar 11;18(5):1310.

OMIM
Classification: Pathogenic for HEMOPHILIA B. Last evaluated: 1991-01-01. Review status: no assertion criteria provided. Collection method: literature only. Allele origin: germline. Not counted in ClinVar's aggregate classification.

Literature cited by the submitters: PubMed 1998585 (cited by OMIM).

NM_000133.4(F9):c.1120G>T (p.Val374Phe)

Gene: F9 (coagulation factor IX; plus strand). Cytogenetic location: Xq27.1.
Variant type: single nucleotide variant.
Coding change: c.1120G>T on transcript NM_000133.4 (MANE Select); coding-DNA position 1120, G replaced by T.
Protein change: p.Val374Phe; replaces valine 374 with phenylalanine.
Molecular consequence: missense variant.
Genome position (GRCh38, 1-based): chrX:139,561,805, G>T. VCF-style: chrX-139561805-G-T. GRCh37 (hg19) VCF-style: chrX-138643964-G-T.
Other names: F9, VAL328PHE; V328F; c.1006G>T, p.Val336Phe (NM_001313913.2); short protein forms V374F, V336F.
Identifiers: ClinVar variation 10639 (VCV000010639.9), dbSNP rs137852271, ClinGen allele CA255427.
Genomic context (GRCh38, chrX:139,561,805, plus strand): 5'-AGTGGCTGGGGAAGAGTCTTCCACAAAGGGAGATCAGCTTTAGTTCTTCAGTACCTTAGA[G>T]TTCCACTTGTTGACCGAGCCACATGTCTTCGATCTACAAAGTTCACCATCTATAACAACA-3'
Protein context (NP_000124.1, residues 364-384): RSALVLQYLR[Val374Phe]PLVDRATCLR